The following is an entry in ClinVar:

ClinVar aggregate classification (germline): Uncertain significance (1 of 4 stars; one submission).

gnomAD v4.1: 3 of 1,613,738 alleles (0.00019%); highest among the groups gnomAD compares: East Asian, 0.0067%; no homozygotes.

Submission:

Mayo Clinic Laboratories, Mayo Clinic
Classification: Uncertain significance. Last evaluated: 2024-08-21. Review status: criteria provided, single submitter. Criteria: ACMG Guidelines, 2015. Collection method: clinical testing. Allele origin: germline. Observed: 1 variant allele.
Comment: PP3, PM2

NM_001267550.2(TTN):c.6719A>G (p.Asp2240Gly)

Gene: TTN (titin; minus strand). Cytogenetic location: 2q31.2.
Variant type: single nucleotide variant.
Coding change: c.6719A>G on transcript NM_001267550.2 (MANE Select); coding-DNA position 6719, A replaced by G.
Protein change: p.Asp2240Gly; replaces aspartic acid 2240 with glycine.
Molecular consequence: missense variant.
Genome position (GRCh38, 1-based): chr2:178,774,992, T>C on the plus strand (A>G on the coding strand, the complement: TTN is on the minus strand). VCF-style: chr2-178774992-T-C. GRCh37 (hg19) VCF-style: chr2-179639719-T-C.
Other names: p.Asp2240Gly; c.6719A>G, p.Asp2240Gly (NM_001256850.1, NM_133378.4, NM_133379.5); c.6581A>G, p.Asp2194Gly (NM_003319.4, NM_133432.3, NM_133437.4); short protein forms D2194G, D2240G.
Identifiers: ClinVar variation 3379387 (VCV003379387.1).